The following is an entry in ClinVar:

NM_000548.5(TSC2):c.3774del (p.Ser1259fs)

Gene: TSC2 (TSC complex subunit 2; plus strand). Cytogenetic location: 16p13.3.
Variant type: Deletion.
Coding change: c.3774del on transcript NM_000548.5 (MANE Select); coding-DNA position 3774, one base deleted (C; older notation c.3774delC).
Protein change: p.Ser1259fs; shifts the reading frame from serine 1259.
Molecular consequence: frameshift variant. On other transcripts: non-coding transcript variant (5).
Genome position (GRCh38, 1-based): chr16:2,081,758, C deleted; the last of 2 consecutive C bases (chr16:2,081,757-2,081,758); deleting either gives the same sequence. VCF-style (leftmost placement, unchanged base first): chr16-2081756-GC-G. GRCh37 (hg19) VCF-style: chr16-2131757-GC-G.
Other names: c.3642del, p.Ser1215fs (NM_001077183.3, NM_001370404.1, NM_001406665.1); c.3774del, p.Ser1259fs (NM_001114382.3); c.3534del, p.Ser1179fs (NM_001318827.2); c.3645del, p.Ser1216fs (NM_001363528.2, NM_001370405.1, NM_021055.3); c.3771del, p.Ser1258fs (NM_001406663.1, NM_001406664.1); c.3735del, p.Ser1246fs (NM_001406667.1); c.3732del, p.Ser1245fs (NM_001406668.1); c.3663del, p.Ser1222fs (NM_001406670.1); and 18 more; short protein forms S1058fs, S1167fs, S1179fs, S1196fs, S1216fs, S1258fs, S1212fs, S1246fs.
Identifiers: ClinVar variation 2816462 (VCV002816462.3), dbSNP rs2544161564, ClinGen allele CA2739269937.

ClinVar aggregate classification (germline): Pathogenic (1 of 4 stars; one submission).

Conditions:
Tuberous sclerosis 2 (TSC2). Identifiers: Orphanet 805, MedGen C1860707, MONDO:0013199, OMIM 613254.

Submission:

Labcorp Genetics (formerly Invitae), Labcorp
Classification: Pathogenic for Tuberous sclerosis 2. Last evaluated: 2022-12-22. Review status: criteria provided, single submitter. Criteria: Invitae Variant Classification Sherloc (09022015). Collection method: clinical testing. Allele origin: germline.
Comment: For these reasons, this variant has been classified as Pathogenic. This variant has not been reported in the literature in individuals affected with TSC2-related conditions. This variant is not present in population databases (gnomAD no frequency). This sequence change creates a premature translational stop signal (p.Ser1259Alafs*66) in the TSC2 gene. It is expected to result in an absent or disrupted protein product. Loss-of-function variants in TSC2 are known to be pathogenic (PMID: 10205261, 17304050).

Literature cited by the submitters: PubMed 10205261; PubMed 17304050.